The following is an entry in ClinVar:

NM_021076.4(NEFH):c.850C>G (p.Gln284Glu)

Gene: NEFH (neurofilament heavy chain; plus strand). Cytogenetic location: 22q12.2.
Variant type: single nucleotide variant.
Coding change: c.850C>G on transcript NM_021076.4 (MANE Select); coding-DNA position 850, C replaced by G.
Protein change: p.Gln284Glu; replaces glutamine 284 with glutamic acid.
Molecular consequence: missense variant.
Genome position (GRCh38, 1-based): chr22:29,481,112, C>G. VCF-style: chr22-29481112-C-G. GRCh37 (hg19) VCF-style: chr22-29877101-C-G.
Other names: short protein forms Q284E.
Identifiers: ClinVar variation 1394798 (VCV001394798.6), dbSNP rs2146391999, ClinGen allele CA411124235.

ClinVar aggregate classification (germline): Uncertain significance (1 of 4 stars; one submission).

Submission:

Labcorp Genetics (formerly Invitae), Labcorp
Classification: Uncertain significance. Last evaluated: 2022-07-19. Review status: criteria provided, single submitter. Criteria: Invitae Variant Classification Sherloc (09022015). Collection method: clinical testing. Allele origin: germline.
Comment: In summary, the available evidence is currently insufficient to determine the role of this variant in disease. Therefore, it has been classified as a Variant of Uncertain Significance. Advanced modeling of protein sequence and biophysical properties (such as structural, functional, and spatial information, amino acid conservation, physicochemical variation, residue mobility, and thermodynamic stability) performed at Invitae indicates that this missense variant is not expected to disrupt NEFH protein function. ClinVar contains an entry for this variant (Variation ID: 1394798). This variant has not been reported in the literature in individuals affected with NEFH-related conditions. This variant is not present in population databases (gnomAD no frequency). This sequence change replaces glutamine, which is neutral and polar, with glutamic acid, which is acidic and polar, at codon 284 of the NEFH protein (p.Gln284Glu).